The following is an entry in ClinVar:

ClinVar aggregate classification (germline): Uncertain significance (1 of 4 stars; one submission).

Conditions:
Schimke immuno-osseous dysplasia (SIOD). Also called: Schimke Immunoosseous Dysplasia. Identifiers: Orphanet 1830, MedGen C0877024, MONDO:0009458, OMIM 242900.

Allele frequency attached by ClinVar (database versions not stated): TOPMed below 0.00001; gnomAD 0.00001.
gnomAD v4.1: 1 of 1,612,534 alleles (0.000062%); highest among the groups gnomAD compares: Non-Finnish European, 0.000085%; no homozygotes.

Submission:

Labcorp Genetics (formerly Invitae), Labcorp
Classification: Uncertain significance for Schimke immuno-osseous dysplasia. Last evaluated: 2024-12-16. Review status: criteria provided, single submitter. Criteria: Invitae Variant Classification Sherloc (09022015). Collection method: clinical testing. Allele origin: germline.
Comment: This sequence change replaces alanine, which is neutral and non-polar, with valine, which is neutral and non-polar, at codon 148 of the SMARCAL1 protein (p.Ala148Val). This variant is present in population databases (no rsID available, gnomAD 0.007%). This variant has not been reported in the literature in individuals affected with SMARCAL1-related conditions. ClinVar contains an entry for this variant (Variation ID: 1934667). Invitae Evidence Modeling of protein sequence and biophysical properties (such as structural, functional, and spatial information, amino acid conservation, physicochemical variation, residue mobility, and thermodynamic stability) indicates that this missense variant is not expected to disrupt SMARCAL1 protein function with a negative predictive value of 80%. In summary, the available evidence is currently insufficient to determine the role of this variant in disease. Therefore, it has been classified as a Variant of Uncertain Significance.

NM_014140.4(SMARCAL1):c.443C>T (p.Ala148Val)

Gene: SMARCAL1 (SNF2 related chromatin remodeling annealing helicase 1; plus strand). Cytogenetic location: 2q35.
Variant type: single nucleotide variant.
Coding change: c.443C>T on transcript NM_014140.4 (MANE Select); coding-DNA position 443, C replaced by T.
Protein change: p.Ala148Val; replaces alanine 148 with valine.
Molecular consequence: missense variant.
Genome position (GRCh38, 1-based): chr2:216,415,147, C>T. VCF-style: chr2-216415147-C-T. GRCh37 (hg19) VCF-style: chr2-217279870-C-T.
Other names: c.443C>T, p.Ala148Val (NM_001127207.2); short protein forms A148V.
Identifiers: ClinVar variation 1934667 (VCV001934667.4), dbSNP rs1404591296, ClinGen allele CA350497316.